The following is an entry in ClinVar:

ClinVar aggregate classification (germline): Uncertain significance (1 of 4 stars; one submission).

Conditions:
MAGEL2-related disorder. Also called: MAGEL2-related condition.

gnomAD v4.1: 5 of 1,533,414 alleles (0.00033%); highest among the groups gnomAD compares: African/African-American, 0.0014%; no homozygotes.

Submission:

PreventionGenetics, part of Exact Sciences
Classification: Uncertain significance for MAGEL2-related condition. Last evaluated: 2025-11-18. Review status: criteria provided, single submitter. Criteria: ACMG Guidelines, 2015. Collection method: clinical testing. Allele origin: germline.
Comment: The MAGEL2 c.269T>C variant is predicted to result in the amino acid substitution p.Val90Ala. To our knowledge, this variant has not been reported in the literature. This variant is reported in 0.0018% of alleles in individuals of European (non-Finnish) descent in gnomAD. At this time, the clinical significance of this variant is uncertain due to the absence of conclusive functional and genetic evidence.

NM_019066.5(MAGEL2):c.269T>C (p.Val90Ala)

Gene: MAGEL2 (MAGE family member L2; minus strand). Cytogenetic location: 15q11.2.
Variant type: single nucleotide variant.
Coding change: c.269T>C on transcript NM_019066.5 (MANE Select); coding-DNA position 269, T replaced by C.
Protein change: p.Val90Ala; replaces valine 90 with alanine.
Molecular consequence: missense variant.
Genome position (GRCh38, 1-based): chr15:23,647,474, A>G on the plus strand (T>C on the coding strand, the complement: MAGEL2 is on the minus strand). VCF-style: chr15-23647474-A-G. GRCh37 (hg19) VCF-style: chr15-23892621-A-G.
Other names: short protein forms V90A.
Identifiers: ClinVar variation 4984563 (VCV004984563.1).